The following is an entry in ClinVar:

ClinVar aggregate classification (germline): Benign/Likely benign. Review status: criteria provided, multiple submitters, no conflicts (2 of 4 stars). 5 submissions from 5 submitters: Benign (1); Likely benign (4). Last evaluated 2024-08-08.

Conditions:
Classic or attenuated familial adenomatous polyposis. Identifiers: MedGen CN372698, MONDO:0021057.
Hereditary cancer-predisposing syndrome. Also called: Neoplastic Syndromes, Hereditary; Tumor predisposition; Hereditary neoplastic syndrome; Hereditary Cancer Syndrome. Identifiers: Orphanet 140162, MedGen C0027672, MeSH D009386, MONDO:0015356.
Familial adenomatous polyposis 1 (FAP1). Also called: POLYPOSIS, ADENOMATOUS INTESTINAL; FAMILIAL ADENOMATOUS POLYPOSIS 1, ATTENUATED. Identifiers: MedGen C2713442, MONDO:0021056, OMIM 175100. Disease mechanism: loss of function.

gnomAD v4.1: 3 of 1,614,210 alleles (0.00019%); highest among the groups gnomAD compares: Non-Finnish European, 0.00025%; no homozygotes.

Submissions (5):

Labcorp Genetics (formerly Invitae), Labcorp
Classification: Likely benign for Familial adenomatous polyposis 1. Last evaluated: 2024-08-08. Review status: criteria provided, single submitter. Criteria: Invitae Variant Classification Sherloc (09022015). Collection method: clinical testing. Allele origin: germline.

Myriad Genetics, Inc.
Classification: Benign for Familial adenomatous polyposis 1. Last evaluated: 2024-03-15. Review status: criteria provided, single submitter. Criteria: Myriad Autosomal Dominant, Autosomal Recessive and X-Linked Classification Criteria (2023). Collection method: clinical testing. Allele origin: unknown.
Comment: This variant is considered benign. This variant is a silent/synonymous amino acid change and it is not expected to impact splicing.

All of Us Research Program, National Institutes of Health
Classification: Likely benign for Classic or attenuated familial adenomatous polyposis. Last evaluated: 2023-12-13. Review status: criteria provided, single submitter. Criteria: ACMG Guidelines, 2015. Collection method: clinical testing. Allele origin: germline. Inheritance: Autosomal dominant inheritance. Observed: 1 variant allele, 1 heterozygote.
Comment: This study involves interpretation of variants in research participants for the purpose of population health screening. Participant phenotype was not available at the time of variant classification. Additional details can be found in publication PMID: 35346344, PMCID: PMC8962531

Ambry Genetics
Classification: Likely benign for Hereditary cancer-predisposing syndrome. Last evaluated: 2023-01-07. Review status: criteria provided, single submitter. Criteria: Ambry Variant Classification Scheme 2023. Collection method: clinical testing. Allele origin: germline.

Color Diagnostics, LLC DBA Color Health
Classification: Likely benign for Hereditary cancer-predisposing syndrome. Last evaluated: 2018-04-11. Review status: criteria provided, single submitter. Criteria: ACMG Guidelines, 2015. Collection method: clinical testing. Allele origin: germline.

NM_000038.6(APC):c.2883T>C (p.Asn961=)

Gene: APC (APC regulator of Wnt signaling pathway; plus strand). Cytogenetic location: 5q22.2.
Variant type: single nucleotide variant.
Coding change: c.2883T>C on transcript NM_000038.6 (MANE Select); coding-DNA position 2883, T replaced by C.
Protein change: p.Asn961=; no amino-acid change (asparagine 961 retained).
Molecular consequence: synonymous variant.
Genome position (GRCh38, 1-based): chr5:112,838,477, T>C. VCF-style: chr5-112838477-T-C. GRCh37 (hg19) VCF-style: chr5-112174174-T-C.
Other names: c.2883T>C, p.Asn961= (NM_001127510.3, NM_001354895.2); c.2829T>C, p.Asn943= (NM_001127511.3); c.2937T>C, p.Asn979= (NM_001354896.2); c.2913T>C, p.Asn971= (NM_001354897.2); c.2808T>C, p.Asn936= (NM_001354898.2); c.2799T>C, p.Asn933= (NM_001354899.2); c.2760T>C, p.Asn920= (NM_001354900.2); c.2706T>C, p.Asn902= (NM_001354901.2); and 5 more.
Identifiers: ClinVar variation 628183 (VCV000628183.9), dbSNP rs1060503367, ClinGen allele CA445963052.